The following is an entry in ClinVar:

ClinVar aggregate classification (germline): Uncertain significance (1 of 4 stars; one submission).

Conditions:
LAMA2-related muscular dystrophy (LAMA2-RD). Also called: Laminin alpha 2-related dystrophy. Identifiers: MedGen C5679788, MONDO:0100228.

Submission:

Labcorp Genetics (formerly Invitae), Labcorp
Classification: Uncertain significance for LAMA2-related muscular dystrophy. Last evaluated: 2021-09-09. Review status: criteria provided, single submitter. Criteria: Invitae Variant Classification Sherloc (09022015). Collection method: clinical testing. Allele origin: germline.
Comment: Experimental studies and prediction algorithms are not available or were not evaluated, and the functional significance of this variant is currently unknown. This variant, c.6716_6724del, results in the deletion of 3 amino acid(s) of the LAMA2 protein (p.Arg2239_Gly2241del), but otherwise preserves the integrity of the reading frame. This variant is not present in population databases (ExAC no frequency). This variant has been observed in individual(s) with clinical features of LAMA2-related conditions (Invitae). In at least one individual the data is consistent with the variant being in trans (on the opposite chromosome) from a pathogenic variant. In summary, the available evidence is currently insufficient to determine the role of this variant in disease. Therefore, it has been classified as a Variant of Uncertain Significance.

NM_000426.4(LAMA2):c.6716_6724del (p.Arg2239_Gly2241del)

Gene: LAMA2 (laminin subunit alpha 2; plus strand). Cytogenetic location: 6q22.33.
Variant type: Deletion.
Coding change: c.6716_6724del on transcript NM_000426.4 (MANE Select); coding-DNA positions 6716 to 6724, 9 bases deleted (GAAATGGAA; older notation c.6716_6724delGAAATGGAA).
Protein change: p.Arg2239_Gly2241del.
Molecular consequence: inframe deletion.
Genome position (GRCh38, 1-based): chr6:129,456,343-129,456,351, GAAATGGAA deleted; deleting any 9 consecutive bases within chr6:129,456,342-129,456,351 gives the same sequence; the c. name uses the placement nearest the transcript's 3' end. VCF-style (leftmost placement, unchanged base first): chr6-129456341-GAGAAATGGA-G. GRCh37 (hg19) VCF-style: chr6-129777486-GAGAAATGGA-G.
Other names: c.6716_6724del, p.Arg2239_Gly2241del (NM_001079823.2).
Identifiers: ClinVar variation 1498085 (VCV001498085.6), dbSNP rs2114794780, ClinGen allele CA2573140485.